The following is an entry in ClinVar:

NM_001379451.1(BCORL1):c.3551A>G (p.Lys1184Arg)

Gene: BCORL1 (BCL6 corepressor like 1; plus strand). Cytogenetic location: Xq26.1.
Variant type: single nucleotide variant.
Coding change: c.3551A>G on transcript NM_001379451.1 (MANE Select); coding-DNA position 3551, A replaced by G.
Protein change: p.Lys1184Arg; replaces lysine 1184 with arginine.
Molecular consequence: missense variant.
Genome position (GRCh38, 1-based): chrX:130,021,094, A>G. VCF-style: chrX-130021094-A-G. GRCh37 (hg19) VCF-style: chrX-129155069-A-G.
Other names: c.3551A>G, p.Lys1184Arg (NM_001184772.3, NM_001379450.1, NM_021946.5); short protein forms K1184R.
Identifiers: ClinVar variation 3360946 (VCV003360946.2).

ClinVar aggregate classification (germline): Uncertain significance (1 of 4 stars; one submission).

Submission:

GeneDx
Classification: Uncertain significance. Last evaluated: 2025-06-11. Review status: criteria provided, single submitter. Criteria: GeneDx Variant Classification Process June 2021. Collection method: clinical testing. Allele origin: germline.
Comment: Not observed at significant frequency in large population cohorts (gnomAD); In silico analysis suggests that this missense variant does not alter protein structure/function; Has not been previously published as pathogenic or benign to our knowledge